The following is an entry in ClinVar:

NM_004004.6(GJB2):c.109G>A (p.Val37Ile)

Gene: GJB2 (gap junction protein beta 2; minus strand). Cytogenetic location: 13q12.11.
Variant type: single nucleotide variant.
Coding change: c.109G>A on transcript NM_004004.6 (MANE Select); coding-DNA position 109, G replaced by A.
Protein change: p.Val37Ile; replaces valine 37 with isoleucine.
Molecular consequence: missense variant.
Genome position (GRCh38, 1-based): chr13:20,189,473, C>T on the plus strand (G>A on the coding strand, the complement: GJB2 is on the minus strand). VCF-style: chr13-20189473-C-T. GRCh37 (hg19) VCF-style: chr13-20763612-C-T.
Other names: NM_004004.5(GJB2):c.109G>A; NM_004004.6(GJB2):c.109G>A; short protein forms V37I.
Identifiers: ClinVar variation 17023 (VCV000017023.167), dbSNP rs72474224, ClinGen allele CA172210.

ClinVar aggregate classification (germline): Pathogenic. Review status: reviewed by expert panel (3 of 4 stars). 65 submissions from 62 submitters: Pathogenic (1). 64 of the submissions do not count toward it. Last evaluated 2019-06-24.

Conditions:
GJB2-related disorder. Also called: GJB2-related condition; GJB2-related disorders. Identifiers: MedGen CN382183, MONDO:1060236.
Monogenic hearing loss.
Palmoplantar keratoderma-deafness syndrome. Also called: Keratoderma palmoplantar, with deafness; Palmoplantar keratoderma and sensorineural deafness; Hereditary palmoplantar keratoderma with deafness (subtype); Focal palmoplantar keratoderma with sensorineural deafness (subtype); Diffuse palmoplantar keratoderma with deafness (subtype). Identifiers: Orphanet 2202, MedGen C1835672, MONDO:0007852, OMIM 148350.
Knuckle pads, deafness AND leukonychia syndrome. Also called: Bart-Pumphrey syndrome. Identifiers: Orphanet 2698, MedGen C0266004, MONDO:0007866, OMIM 149200.
Mutilating keratoderma (VOWNKL). Also called: Keratoderma hereditarium mutilans. Identifiers: Orphanet 494, MedGen C0265964, MONDO:0007422, OMIM 124500.
Nonsyndromic Deafness. Also called: Nonsyndromic hearing loss; Non-syndromic hearing loss. Identifiers: MedGen C3711374, MeSH C580334.
Autosomal recessive nonsyndromic hearing loss 1A (DFNB1A). Also called: Deafness, autosomal recessive 1A; GJB2-Related Autosomal Recessive Nonsyndromic Hearing Loss; Connexin 26 deafness; Deafness nonsyndromic, Connexin 26 linked; Nonsyndromic Hearing Loss and Deafness, DFNB1; GJB6-Related DFNB 1 Nonsyndromic Hearing Loss and Deafness. Identifiers: Orphanet 90636, MedGen C2673759, MONDO:0009076, OMIM 220290.
Autosomal dominant keratitis-ichthyosis-hearing loss syndrome. Also called: HID SYNDROME; KID SYNDROME, AUTOSOMAL DOMINANT; Senter syndrome. Identifiers: Orphanet 477, MedGen C0265336, MONDO:0007850, OMIM 148210.
Autosomal dominant nonsyndromic hearing loss 3A. Identifiers: Orphanet 90635, MedGen C2675750, MONDO:0011103, OMIM 601544.
Ichthyosis, hystrix-like, with hearing loss. Also called: Hystrix-like ichthyosis with deafness. Identifiers: Orphanet 477, MedGen C1865234, MONDO:0011245.
Inborn genetic diseases. Identifiers: MedGen C0950123, MeSH D030342.
Nonsyndromic genetic hearing loss. Also called: Nonsyndromic hearing loss and deafness; Non-syndromic genetic deafness; Nonsyndromic genetic deafness. Identifiers: Orphanet 87884, MedGen C5680182, MONDO:0019497.
Autosomal recessive nonsyndromic hearing loss 1B. Also called: DEAFNESS, AUTOSOMAL RECESSIVE 1B. Identifiers: Orphanet 90636, MedGen C2675235, MONDO:0012977, OMIM 612645.
Hearing loss, autosomal recessive. Also called: Rare autosomal recessive non-syndromic sensorineural deafness type DFNB; Nonsyndromic Hearing Loss, Recessive; Autosomal recessive nonsyndromic deafness; Deafness, autosomal recessive. Identifiers: Orphanet 90635, Orphanet 90636, MedGen C1846647, MONDO:0019588, OMIM 607197.
Hearing impairment. Also called: Impaired Hearing. Identifiers: MedGen C1384666, MONDO:0005365, HP:0000365.

Allele frequency attached by ClinVar (database versions not stated): gnomAD 0.00354 and 0.00393; ExAC 0.00659; gnomAD exomes 0.00772 and 0.00218; TOPMed 0.00451; 1000 Genomes Project 30x 0.01405; 1000 Genomes Project 0.01538.
gnomAD v4.1: 4,071 of 1,613,686 alleles (0.25%); highest among the groups gnomAD compares: East Asian, 4.5%; 101 homozygotes.

Submissions 1 to 3 of 65:

ClinGen Hearing Loss Variant Curation Expert Panel
Classification: Pathogenic for Nonsyndromic genetic hearing loss. Last evaluated: 2019-06-24. Review status: reviewed by expert panel. Criteria: Clingen Hl Acmg Specifications Cdh23 Coch Gjb2 Kcnq4 Myo6 Myo7a Slc26a4 Tecta Ush2a V2. Collection method: curation. Allele origin: germline. Inheritance: Autosomal recessive inheritance.
Comment: The filtering allele frequency (the lower threshold of the 95% CI of 143/1558, including 8 homozygous observations) of the c.109G>A (p.Val37Ile) variant in the GJB2 gene is 7.9% for East Asian genomes in gnomAD.This is a high enough frequency that, in the absence of conflicting data, might warrant a benign classification based on the thresholds defined by the ClinGen Hearing Loss Expert Panel for autosomal recessive hearing loss variants (BA1). However, based on the evidence outlined below, the ClinGen Hearing Loss Expert Panel believes that the evidence for the pathogenicity of this variant for nonsyndromic hearing loss outweighs its high allele frequency in population databases. Therefore, the BA1 code will not contribute to the overall classification. The homozygous genotype and compound heterozygous genotype with another variant in GJB2 have shown to be statistically enriched in patients with nonsyndromic sensorineural hearing loss compared to individuals representative of the general population in gnomAD and/or those who underwent carrier screening at Counsyl. (PS4; PMID: 31160754). This study also reported the variant in 139 homozygous affected probands, 17 affected probands with the p.Met34Thr variant in trans, 131 affected probands with a variant asserted to be P/LP in ClinVar, and 78 affected probands with a premature GJB2 termination codon in trans. However, because the variant is also very frequent in the general population, this criteria has been applied at the strength of Moderate. (PM3; PMID: 31160754). The p.Val37Ile variant in GJB2 has been reported to segregate with hearing loss in at least 21 family members (PP1_Strong; PMID: 31160754). Although homozygous or compound heterozygous observations have been identified in individuals with normal hearing, it has been suggested that individuals with the p.Val37Ile variant lose hearing at ~1dB/year, suggesting an age-related penetrance (PMID: 27308839). Furthermore, in dye transfer and electrical coupling assays, both functional studies have shown that the variant impacts protein function (PMID: 26088551, 12505163, 16300957) and knock-in mouse model demonstrated that the p.Val37Ile variant leads to the phenotype. However, because the codon for p.Val37 in mouse (GTG) was different from that in human (GTT), c.109G>A in mouse would translate into p.Val37Met, and the dye transfer and coupling assays have limited validation and correlation with pathogenicity, neither was not counted as functional evidence. (PMID: 27623246). Of note, the severity of hearing loss is known to be mild on average and there have been multiple accounts of incomplete penetrance of the variant in families/individuals with p.Val37Ile in a biallelic genotype. In summary, this variant meets criteria to be classified as pathogenic for autosomal recessive nonsyndromic genetic hearing loss based on the ACMG/AMP criteria applied, as specified by the Hearing Loss Expert Panel: PS4, PP1_Strong, PM3.

CeGaT Center for Human Genetics Tuebingen
Classification: Pathogenic. Last evaluated: 2026-09-01. Review status: criteria provided, single submitter. Criteria: CeGaT Center For Human Genetics Tuebingen Variant Classification Criteria Version 2. Collection method: clinical testing. Allele origin: germline. Affected: yes. Observed: 11 variant alleles. Not counted in ClinVar's aggregate classification.
Comment: GJB2: PM3:Very Strong, PM5, PM2:Supporting, PS3:Supporting

Ambry Genetics
Classification: Pathogenic for Inborn genetic diseases. Last evaluated: 2026-07-31. Review status: criteria provided, single submitter. Criteria: Ambry Variant Classification Scheme 2023. Collection method: clinical testing. Allele origin: germline. Not counted in ClinVar's aggregate classification.
Comment: The c.109G>A (p.V37I) alteration is located in coding exon 1 of the GJB2 gene. This alteration results from a G to A substitution at nucleotide position 109, causing the valine (V) at amino acid position 37 to be replaced by an isoleucine (I). for autosomal recessive GJB2-related nonsyndromic hearing loss; however, it is unlikely to be causative of autosomal dominant GJB2-related nonsyndromic hearing loss or autosomal dominant GJB2-related syndromic hearing loss with ectodermal involvement. Based on data from gnomAD, the A allele has an overall frequency of 0.756% (2132/282164) total alleles studied. The highest observed frequency was 8.345% (1665/19952) of East Asian alleles. This alteration has been more commonly reported in individuals of Asian ancestry (both affected and controls) (Huculak, 2006; Tang, 2006; Li, 2012). Although rare, homozygous and compound heterozygous observations have been identified in individuals with normal hearing; however presentation is typically associated with childhood onset bilateral sensorineural hearing loss (Shen, 2019; Tang, 2006). A more recent study has reported the p.V37I variant as pathogenic with variable expressivity and incomplete penetrance with progressive hearing loss over time when detected in homozygous or compound heterozygous forms (Chen, 2020). This variant has been detected as a homozygous finding in multiple families with sensorineural hearing loss (Ambry internal data). This amino acid position is highly conserved in available vertebrate species. Functional studies demonstrate an inability to induce formation of homotypic gap-junction channels, leading to a complete loss of channel activity (Bruzzone, 2003). However, large cohort studies have reported that hearing loss is typically in the mild to moderate range suggesting that the phenotypic presentation may not reflect the functional data (Snoeckx, 2005; Huculak, 2006). This alteration is predicted to be deleterious by in silico analysis. Based on the available evidence, this alteration is classified as pathogenic.